The following is an entry in ClinVar:

NM_198253.3(TERT):c.2743G>T (p.Gly915Cys)

Gene: TERT (telomerase reverse transcriptase; minus strand). Cytogenetic location: 5p15.33.
Variant type: single nucleotide variant.
Coding change: c.2743G>T on transcript NM_198253.3 (MANE Select); coding-DNA position 2743, G replaced by T.
Protein change: p.Gly915Cys; replaces glycine 915 with cysteine.
Molecular consequence: missense variant. On other transcripts: intron variant (1).
Genome position (GRCh38, 1-based): chr5:1,264,504, C>A on the plus strand (G>T on the coding strand, the complement: TERT is on the minus strand). VCF-style: chr5-1264504-C-A. GRCh37 (hg19) VCF-style: chr5-1264619-C-A.
Other names: c.2654+1960G>T (NM_001193376.3); short protein forms G915C.
Identifiers: ClinVar variation 3805805 (VCV003805805.1).
Genomic context (GRCh38, chr5:1,264,504, plus strand): 5'-GCAGCAGGCCGCACCAGGGGAATAGGCCGTGGGCCGGCATCTGAACAAAAGCCGTGCCAC[C>A]CAGGGCCTCGTCTTCTACAGGGAAGTTCACCACTGTCTTCCGCAAGTTCACCACGCAGCC-3'
Protein context (NP_937983.2, residues 905-925): VNFPVEDEAL[Gly915Cys]GTAFVQMPAH

ClinVar aggregate classification (germline): Uncertain significance (1 of 4 stars; one submission).

Conditions:
Dyskeratosis congenita. Identifiers: Orphanet 1775, MedGen C0265965, MONDO:0015780.

Submission:

Ambry Genetics
Classification: Uncertain significance for Dyskeratosis congenita. Last evaluated: 2025-03-10. Review status: criteria provided, single submitter. Criteria: Ambry Variant Classification Scheme 2023. Collection method: clinical testing. Allele origin: germline.
Comment: The p.G915C variant (also known as c.2743G>T), located in coding exon 11 of the TERT gene, results from a G to T substitution at nucleotide position 2743. The glycine at codon 915 is replaced by cysteine, an amino acid with highly dissimilar properties. This amino acid position is conserved. In addition, the in silico prediction for this alteration is inconclusive. Based on the available evidence, the clinical significance of this variant remains unclear.